The following is an entry in ClinVar:

ClinVar aggregate classification (germline): Conflicting classifications of pathogenicity. Review status: criteria provided, conflicting classifications (1 of 4 stars). 8 submissions from 8 submitters: Pathogenic (3); Likely pathogenic (3); Uncertain significance (1). 1 of the submissions does not count toward it. Last evaluated 2026-01-21.

Conditions:
FH-related disorder. Also called: FH-related condition; FH-related disorders.
Hereditary cancer-predisposing syndrome. Also called: Neoplastic Syndromes, Hereditary; Tumor predisposition; Hereditary Cancer Syndrome; Hereditary neoplastic syndrome. Identifiers: Orphanet 140162, MedGen C0027672, MeSH D009386, MONDO:0015356.
Hereditary leiomyomatosis and renal cell cancer. Also called: MULTIPLE CUTANEOUS AND UTERINE LEIOMYOMATA 1, WITH OR WITHOUT RENAL CELL CARCINOMA; Reed syndrome; Multiple cutaneous and uterine leiomyomatosis; Cutaneous leiomyomata with uterine leiomyomata; Leiomyoma, hereditary multiple, of skin; Multiple cutaneous and uterine leiomyomata. Identifiers: Orphanet 523, MedGen C1708350, MONDO:0007888, OMIM 150800, HP:0007437. Disease mechanism: loss of function.
Fumarase deficiency (FMRD). Also called: Fumaric aciduria; Fumarate Hydratase Deficiency. Identifiers: Orphanet 24, MedGen C0342770, MONDO:0011730, OMIM 606812.

Allele frequency attached by ClinVar (database versions not stated): gnomAD exomes below 0.00001; ExAC 0.00001; gnomAD 0.00001; TOPMed 0.00001.
gnomAD v4.1: 5 of 1,613,840 alleles (0.00031%); highest among the groups gnomAD compares: Non-Finnish European, 0.00025%; no homozygotes.

Submissions (8):

Labcorp Genetics (formerly Invitae), Labcorp
Classification: Pathogenic. Last evaluated: 2026-01-21. Review status: criteria provided, single submitter. Criteria: Invitae Variant Classification Sherloc (09022015). Collection method: clinical testing. Allele origin: germline.
Comment: This sequence change replaces alanine, which is neutral and non-polar, with threonine, which is neutral and polar, at codon 273 of the FH protein (p.Ala273Thr). This variant is not present in population databases (gnomAD no frequency). This missense change has been observed in individuals with pheochromocytoma or paraganglioma (PMID: 30877234, 33125697, 33362715, 34750850, 35821608; internal data). ClinVar contains an entry for this variant (Variation ID: 214377). Invitae Evidence Modeling of protein sequence and biophysical properties (such as structural, functional, and spatial information, amino acid conservation, physicochemical variation, residue mobility, and thermodynamic stability) indicates that this missense variant is expected to disrupt FH protein function with a positive predictive value of 95%. For these reasons, this variant has been classified as Pathogenic.

GeneDx
Classification: Likely pathogenic. Last evaluated: 2025-05-22. Review status: criteria provided, single submitter. Criteria: GeneDx Variant Classification Process June 2021. Collection method: clinical testing. Allele origin: germline. Affected: yes.
Comment: Observed in individuals with paraganglioma, including one apparently de novo observation (PMID: 30877234, 33362715, 33125697); In silico analysis supports that this missense variant has a deleterious effect on protein structure/function; Not observed at significant frequency in large population cohorts (gnomAD); Also known as p.A230T; This variant is associated with the following publications: (PMID: 32612247, 30548923, 35982159, 33125697, 33362715, 34750850, 35821608, 33057194, 38721148, 36773955, 39536727, 39705504, 30877234)

Women's Health and Genetics/Laboratory Corporation of America, LabCorp
Classification: Pathogenic for Hereditary leiomyomatosis and renal cell cancer. Last evaluated: 2025-05-19. Review status: criteria provided, single submitter. Criteria: LabCorp Variant Classification Summary - May 2015. Collection method: clinical testing. Allele origin: germline.
Comment: Variant summary: FH c.817G>A (p.Ala273Thr) results in a non-conservative amino acid change in the encoded protein sequence. Algorithms developed to predict the effect of missense changes on protein structure and function all suggest that this variant is likely to be disruptive. The variant allele was found at a frequency of 4e-06 in 251224 control chromosomes. c.817G>A has been observed in the heterozygous state in multiple individual(s) affected with paraganglioma, pheochromocytoma and/or clinical features of Hereditary Leiomyomatosis And Renal Cell Cancer (example, Snabboon_2020, Ma_2020, Parisien-LaSalle_2022, internal data), including at least 1 individual whose variant was de novo. These data indicate that the variant is likely to be associated with disease. To our knowledge, no experimental evidence demonstrating an impact on protein function has been reported. The following publications have been ascertained in the context of this evaluation (PMID: 33362715, 34750850, 33125697). ClinVar contains an entry for this variant (Variation ID: 214377). Based on the evidence outlined above, the variant was classified as pathogenic.

Ambry Genetics
Classification: Pathogenic for Hereditary cancer-predisposing syndrome. Last evaluated: 2025-05-14. Review status: criteria provided, single submitter. Criteria: Ambry Variant Classification Scheme 2023. Collection method: clinical testing. Allele origin: germline.
Comment: The p.A273T variant (also known as c.817G>A), located in coding exon 6 of the FH gene, results from a G to A substitution at nucleotide position 817. The alanine at codon 273 is replaced by threonine, an amino acid with similar properties. This variant was reported in multiple individuals with a personal and/or family history of pheochromocytoma and/or paraganglioma (Ambry internal data; Snabboon T et al. Endokrynol Pol, 2020 Oct;71:583-584; Ma X et al. Ann N Y Acad Sci, 2022 Oct;1516:262-270; Zavoshi, S et al. Urology 2023 Jun;176:106-114; Tsoy, UA et al. Neuroendocrinology 2024 Nov;:1-21.; Jiang, J et al. J Endocrinol Invest 2025 Apr;48(4):931-939.).This variant was identified to be in trans with a second pathogenic FH alteration in a proband with features consistent with Fumarate hydratase deficiency (External communication). This amino acid position is highly conserved in available vertebrate species. In addition, this alteration is predicted to be deleterious by in silico analysis. Based on the supporting evidence, this alteration is interpreted as pathogenic in association with PGL/PCC, however its association with other features of hereditary leiomyomatosis and renal cell carcinoma syndrome is unclear.

Quest Diagnostics Nichols Institute San Juan Capistrano
Classification: Likely pathogenic. Last evaluated: 2025-03-14. Review status: criteria provided, single submitter. Criteria: Quest Diagnostics criteria. Collection method: clinical testing. Allele origin: unknown.
Comment: The FH c.817G>A (p.Ala273Thr) variant has been reported in the published literature in multiple individuals with pheochromocytoma, paraganglioma, or uterine leiomyoma (PMIDs: 39636472 (2024), 39536727 (2024), 36773955 (2023), 34750850 (2022), 33362715 (2020), 32612247 (2020)), including in the de novo state (PMID: 33125697 (2020)). The frequency of this variant in the general population (Genome Aggregation Database) is consistent with pathogenicity. Analysis of this variant using bioinformatics tools for the prediction of the effect of amino acid changes on protein structure and function yielded predictions that this variant is damaging. Based on the available information, this variant is classified as likely pathogenic.

Blueprint Genetics
Classification: Likely pathogenic for FH-related disorders. Last evaluated: 2024-07-08. Review status: criteria provided, single submitter. Criteria: ACMG Guidelines, 2015. Collection method: clinical testing. Allele origin: germline. Affected: yes. Observed: 4 variant alleles.

Sema4
Classification: Uncertain significance for Hereditary cancer-predisposing syndrome. Last evaluated: 2021-06-21. Review status: criteria provided, single submitter. Criteria: Sema4 Curation Guidelines. Collection method: curation. Allele origin: germline.
Comment: The FH c.817G>A (p.A273T) variant has been reported in heterozygosity in at least three individuals with paragangliomas, including at least one presumed de novo occurrence (PMID: 30877234, 33125697, 33362715). It was observed in 1/113574 chromosomes Non-Finnish European subpopulation in the Genome Aggregation Database (PMID: 32461654). The variant has been reported in ClinVar (Variation ID: 214377). In silico tools suggest the impact of the variant on protein function is deleterious, though these predictions have not been confirmed by functional studies. The evidence is insufficient to meet ACMG/AMP criteria for classifying the variant as benign or pathogenic. Thus, the clinical significance of this variant is currently uncertain.

Natera, Inc.
Classification: Uncertain significance for Fumarase Deficiency. Last evaluated: 2021-08-30. Review status: no assertion criteria provided. Collection method: clinical testing. Allele origin: germline. Not counted in ClinVar's aggregate classification.

Literature cited by the submitters: PubMed 30877234 (cited by Labcorp Genetics (formerly Invitae), Labcorp and Sema4); PubMed 33125697 (cited by 5 submitters); PubMed 33362715 (cited by 4 submitters); PubMed 34750850 (cited by 4 submitters); PubMed 35821608 (cited by 3 submitters); PubMed 35966080 (cited by Ambry Genetics); PubMed 36773955 (cited by Ambry Genetics and Quest Diagnostics Nichols Institute San Juan Capistrano); PubMed 39536727 (cited by Ambry Genetics and Quest Diagnostics Nichols Institute San Juan Capistrano); PubMed 39636472 (cited by Ambry Genetics and Quest Diagnostics Nichols Institute San Juan Capistrano); PubMed 38721148 (cited by Quest Diagnostics Nichols Institute San Juan Capistrano); PubMed 39705504 (cited by Quest Diagnostics Nichols Institute San Juan Capistrano); PubMed 32612247 (cited by Quest Diagnostics Nichols Institute San Juan Capistrano).

NM_000143.4(FH):c.817G>A (p.Ala273Thr)

Gene: FH (fumarate hydratase; minus strand). Cytogenetic location: 1q43.
Variant type: single nucleotide variant.
Coding change: c.817G>A on transcript NM_000143.4 (MANE Select); coding-DNA position 817, G replaced by A.
Protein change: p.Ala273Thr; replaces alanine 273 with threonine.
Molecular consequence: missense variant.
Genome position (GRCh38, 1-based): chr1:241,506,090, C>T on the plus strand (G>A on the coding strand, the complement: FH is on the minus strand). VCF-style: chr1-241506090-C-T. GRCh37 (hg19) VCF-style: chr1-241669390-C-T.
Other names: p.A273T:GCA>ACA; short protein forms A273T.
Identifiers: ClinVar variation 214377 (VCV000214377.33), dbSNP rs772190176, ClinGen allele CA325227.
Genomic context (GRCh38, chr1:241,506,090, plus strand): 5'-CCTTTTCTGCAAAGCCAATTCTAGTATTTAAACCTGTACCAACAGCAGTGCCTCCAGCTG[C>T]GAGCTCATAGATTCTTGGCATGGCAGCTTTTATTCTTGTCATTGCATATTTTACTTGTTG-3'
Protein context (NP_000134.2, residues 263-283): KAAMPRIYEL[Ala273Thr]AGGTAVGTGL